The following is an entry in ClinVar:

ClinVar aggregate classification (germline): Uncertain significance (1 of 4 stars; one submission).

Conditions:
Autosomal recessive nonsyndromic hearing loss 3. Also called: NEUROSENSORY NONSYNDROMIC RECESSIVE DEAFNESS 3. Identifiers: Orphanet 90636, MedGen C1838263, MONDO:0010860, OMIM 600316.

gnomAD v4.1: 1 of 1,614,140 alleles (0.000062%); highest among the groups gnomAD compares: Non-Finnish European, 0.000085%; no homozygotes.

Submission:

Victorian Clinical Genetics Services, Murdoch Childrens Research Institute
Classification: Uncertain significance for Autosomal recessive nonsyndromic hearing loss 3. Last evaluated: 2024-10-09. Review status: criteria provided, single submitter. Criteria: ACMG Guidelines, 2015. Collection method: clinical testing. Allele origin: germline. Inheritance: Autosomal recessive inheritance. Affected: yes.
Comment: Based on the classification scheme VCGS_Germline_v1.3.4, this variant is classified as VUS-3B. Following criteria are met: 0102 - Loss of function is a known mechanism of disease in this gene and is associated with deafness, autosomal recessive 3 (MIM#600316). (I) 0106 - This gene is associated with autosomal recessive disease. (I) 0200 - Variant is predicted to result in a missense amino acid change from leucine to histidine. (I) 0251 - This variant is heterozygous. (I) 0301 - Variant is absent from gnomAD (both v2 and v3). (SP) 0309 - An alternative amino acid change at the same position has been observed in gnomAD (v2) (4 heterozygotes, 0 homozygotes). (I) 0501 - Missense variant consistently predicted to be damaging by multiple in silico tools or highly conserved with a major amino acid change. (SP) 0600 - Variant is located in the annotated MyTH4 domain (DECIPHER). (I) 0705 - No comparable missense variants have previous evidence for pathogenicity. (I) 0807 - This variant has no previous evidence of pathogenicity. (I) 0905 - No published segregation evidence has been identified for this variant. (I) 1007 - No published functional evidence has been identified for this variant. (I) 1208 - Inheritance information for this variant is not currently available in this individual. (I) Legend: (SP) - Supporting pathogenic, (I) - Information, (SB) - Supporting benign

NM_016239.4(MYO15A):c.9287T>A (p.Leu3096His)

Gene: MYO15A (myosin XVA; plus strand). Cytogenetic location: 17p11.2.
Variant type: single nucleotide variant.
Coding change: c.9287T>A on transcript NM_016239.4 (MANE Select); coding-DNA position 9287, T replaced by A.
Protein change: p.Leu3096His; replaces leucine 3096 with histidine.
Molecular consequence: missense variant.
Genome position (GRCh38, 1-based): chr17:18,159,663, T>A. VCF-style: chr17-18159663-T-A. GRCh37 (hg19) VCF-style: chr17-18062977-T-A.
Other names: short protein forms L3096H.
Identifiers: ClinVar variation 3377248 (VCV003377248.1).
Genomic context (GRCh38, chr17:18,159,663, plus strand): 5'-CAGCTGTAATGAGGTTCATGGGGGATGCCCCACTGAAGGGCCAGAGTGACCTGGACGTGC[T>A]TTGTAACCTCCTGAAGGTCAGTCCAGCCAACTTTGCCAGATGCCCCCTTTCCTGCTCTGT-3'
Protein context (NP_057323.3, residues 3086-3106): PLKGQSDLDV[Leu3096His]CNLLKLCGDH